The following is an entry in ClinVar:

NM_014915.3(ANKRD26):c.-84G>A

Gene: ANKRD26 (ankyrin repeat domain 26; minus strand). Cytogenetic location: 10p12.1.
Variant type: single nucleotide variant.
Coding change: c.-84G>A on transcript NM_014915.3 (MANE Select); 84 bases upstream of the start codon, G replaced by A.
Molecular consequence: 5 prime UTR variant.
Genome position (GRCh38, 1-based): chr10:27,100,410, C>T on the plus strand (G>A on the coding strand, the complement: ANKRD26 is on the minus strand). VCF-style: chr10-27100410-C-T. GRCh37 (hg19) VCF-style: chr10-27389339-C-T.
Other names: c.-84G>A (NM_001256053.2).
Identifiers: ClinVar variation 2825155 (VCV002825155.3), dbSNP rs2056613441, ClinGen allele CA2608612066.

ClinVar aggregate classification (germline): Uncertain significance (1 of 4 stars; one submission).

Allele frequency attached by ClinVar (database versions not stated): gnomAD exomes below 0.00001.
gnomAD v4.1: 2 of 1,567,740 alleles (0.00013%); highest among the groups gnomAD compares: African/African-American, 0.0027%; no homozygotes.

Submission:

Labcorp Genetics (formerly Invitae), Labcorp
Classification: Uncertain significance. Last evaluated: 2022-12-30. Review status: criteria provided, single submitter. Criteria: Invitae Variant Classification Sherloc (09022015). Collection method: clinical testing. Allele origin: germline.
Comment: In summary, the available evidence is currently insufficient to determine the role of this variant in disease. Therefore, it has been classified as a Variant of Uncertain Significance. Experimental studies and prediction algorithms are not available or were not evaluated, and the functional significance of this variant is currently unknown. This variant has not been reported in the literature in individuals affected with ANKRD26-related conditions. This variant is not present in population databases (gnomAD no frequency). This variant occurs in a non-coding region of the ANKRD26 gene. It does not change the encoded amino acid sequence of the ANKRD26 protein.